The following is an entry in ClinVar:

ClinVar aggregate classification (germline): Uncertain significance (1 of 4 stars; one submission).

Conditions:
Hypermethioninemia with deficiency of S-adenosylhomocysteine hydrolase. Identifiers: Orphanet 88618, MedGen C3151058, MONDO:0013404, OMIM 613752.

Allele frequency attached by ClinVar (database versions not stated): gnomAD exomes below 0.00001; ExAC 0.00001.
gnomAD v4.1: 2 of 1,614,076 alleles (0.00012%); highest among the groups gnomAD compares: Admixed American, 0.0017%; no homozygotes.

Submission:

Labcorp Genetics (formerly Invitae), Labcorp
Classification: Uncertain significance for Hypermethioninemia with deficiency of S-adenosylhomocysteine hydrolase. Last evaluated: 2022-05-24. Review status: criteria provided, single submitter. Criteria: Invitae Variant Classification Sherloc (09022015). Collection method: clinical testing. Allele origin: germline.
Comment: In summary, the available evidence is currently insufficient to determine the role of this variant in disease. Therefore, it has been classified as a Variant of Uncertain Significance. Algorithms developed to predict the effect of missense changes on protein structure and function are either unavailable or do not agree on the potential impact of this missense change (SIFT: "Not Available"; PolyPhen-2: "Benign"; Align-GVGD: "Not Available"). This variant has not been reported in the literature in individuals affected with AHCY-related conditions. This variant is present in population databases (rs749145409, gnomAD 0.003%). This sequence change replaces lysine, which is basic and polar, with threonine, which is neutral and polar, at codon 46 of the AHCY protein (p.Lys46Thr).

NM_000687.4(AHCY):c.137A>C (p.Lys46Thr)

Gene: AHCY (adenosylhomocysteinase; minus strand). Cytogenetic location: 20q11.22.
Variant type: single nucleotide variant.
Coding change: c.137A>C on transcript NM_000687.4 (MANE Select); coding-DNA position 137, A replaced by C.
Protein change: p.Lys46Thr; replaces lysine 46 with threonine.
Molecular consequence: missense variant.
Genome position (GRCh38, 1-based): chr20:34,295,477, T>G on the plus strand (A>C on the coding strand, the complement: AHCY is on the minus strand). VCF-style: chr20-34295477-T-G. GRCh37 (hg19) VCF-style: chr20-32883283-T-G.
Other names: c.53A>C, p.Lys18Thr (NM_001161766.2, NM_001322084.2, NM_001322085.2); c.143A>C, p.Lys48Thr (NM_001322086.2); c.137A>C, p.Lys46Thr (NM_001362750.2); short protein forms K46T, K48T, K18T.
Identifiers: ClinVar variation 2128569 (VCV002128569.4), dbSNP rs749145409, ClinGen allele CA9821129.
Genomic context (GRCh38, chr20:34,295,477, plus strand): 5'-GTCTCAATGAGGACGGCCGTCTCCACGGTCATGTGCAGGCAGCCAGCGATGCGGGCGCCC[T>G]TCAGTGGCTTGGAGGCCGAGTACCGCTCCCGCATACGCATCAGGCCCGGCATCTCGTTCT-3'
Protein context (NP_000678.1, residues 36-56): RERYSASKPL[Lys46Thr]GARIAGCLHM